The following is an entry in ClinVar:

NM_000138.5(FBN1):c.775G>A (p.Gly259Arg)

Gene: FBN1 (fibrillin 1; minus strand). Cytogenetic location: 15q21.1.
Variant type: single nucleotide variant.
Coding change: c.775G>A on transcript NM_000138.5 (MANE Select); coding-DNA position 775, G replaced by A.
Protein change: p.Gly259Arg; replaces glycine 259 with arginine.
Molecular consequence: missense variant.
Genome position (GRCh38, 1-based): chr15:48,534,167, C>T on the plus strand (G>A on the coding strand, the complement: FBN1 is on the minus strand). VCF-style: chr15-48534167-C-T. GRCh37 (hg19) VCF-style: chr15-48826364-C-T.
Other names: c.775G>A, p.Gly259Arg (NM_001406716.1, NM_001406717.1); short protein forms G259R.
Identifiers: ClinVar variation 4791085 (VCV004791085.2).

ClinVar aggregate classification (germline): Conflicting classifications of pathogenicity. Review status: criteria provided, conflicting classifications (1 of 4 stars). 2 submissions from 2 submitters: Likely pathogenic (1); Uncertain significance (1). Last evaluated 2026-08-01.

Conditions:
Marfan syndrome (MFS). Also called: Marfan syndrome type 1; Marfan's syndrome; Marfan syndrome, classic; FBN1-Related Marfan Syndrome; MARFAN SYNDROME, TYPE I. Identifiers: Orphanet 284963, Orphanet 558, MedGen C0024796, MONDO:0007947, OMIM 154700.
Familial thoracic aortic aneurysm and aortic dissection (TAAD). Also called: Thoracic aortic aneurysms and dissections. Identifiers: Orphanet 91387, MedGen C4707243, MONDO:0019625.

gnomAD v4.1: 1 of 1,613,766 alleles (0.000062%); highest among the groups gnomAD compares: Non-Finnish European, 0.000085%; no homozygotes.

Submissions (2):

CeGaT Center for Human Genetics Tuebingen
Classification: Uncertain significance. Last evaluated: 2026-08-01. Review status: criteria provided, single submitter. Criteria: CeGaT Center For Human Genetics Tuebingen Variant Classification Criteria Version 2. Collection method: clinical testing. Allele origin: germline. Affected: yes. Observed: 1 variant allele.
Comment: FBN1: PM2, PM5:Supporting, PP3

Labcorp Genetics (formerly Invitae), Labcorp
Classification: Likely pathogenic for Marfan syndrome; Familial thoracic aortic aneurysm and aortic dissection. Last evaluated: 2025-12-28. Review status: criteria provided, single submitter. Criteria: Invitae Variant Classification Sherloc (09022015). Collection method: clinical testing. Allele origin: germline.
Comment: This sequence change replaces glycine, which is neutral and non-polar, with arginine, which is basic and polar, at codon 259 of the FBN1 protein (p.Gly259Arg). This variant is not present in population databases (gnomAD no frequency). This variant has not been reported in the literature in individuals affected with FBN1-related conditions. Invitae Evidence Modeling of protein sequence and biophysical properties (such as structural, functional, and spatial information, amino acid conservation, physicochemical variation, residue mobility, and thermodynamic stability) indicates that this missense variant is expected to disrupt FBN1 protein function with a positive predictive value of 95%. This variant disrupts the p.Gly259 amino acid residue in FBN1. Other variant(s) that disrupt this residue have been determined to be pathogenic (PMID: 25907466). This suggests that this residue is clinically significant, and that variants that disrupt this residue are likely to be disease-causing. In summary, the currently available evidence indicates that the variant is pathogenic, but additional data are needed to prove that conclusively. Therefore, this variant has been classified as Likely Pathogenic.

Literature cited by the submitters: PubMed 25907466 (cited by Labcorp Genetics (formerly Invitae), Labcorp).